The following is an entry in ClinVar:

NM_005413.4(SIX3):c.205G>T (p.Gly69Cys)

Gene: SIX3 (SIX homeobox 3; plus strand). Cytogenetic location: 2p21.
Variant type: single nucleotide variant.
Coding change: c.205G>T on transcript NM_005413.4 (MANE Select); coding-DNA position 205, G replaced by T.
Protein change: p.Gly69Cys; replaces glycine 69 with cysteine.
Molecular consequence: missense variant.
Genome position (GRCh38, 1-based): chr2:44,942,309, G>T. VCF-style: chr2-44942309-G-T. GRCh37 (hg19) VCF-style: chr2-45169448-G-T.
Other names: short protein forms G69C.
Identifiers: ClinVar variation 2858627 (VCV002858627.3), dbSNP rs2466513507, ClinGen allele CA346799080.

ClinVar aggregate classification (germline): Uncertain significance (1 of 4 stars; one submission).

Conditions:
Holoprosencephaly 2 (HPE2). Identifiers: Orphanet 2162, MedGen C1834877, MONDO:0007999, OMIM 157170.

Submission:

Labcorp Genetics (formerly Invitae), Labcorp
Classification: Uncertain significance for Holoprosencephaly 2. Last evaluated: 2023-04-23. Review status: criteria provided, single submitter. Criteria: Invitae Variant Classification Sherloc (09022015). Collection method: clinical testing. Allele origin: germline.
Comment: This sequence change replaces glycine, which is neutral and non-polar, with cysteine, which is neutral and slightly polar, at codon 69 of the SIX3 protein (p.Gly69Cys). This variant is not present in population databases (gnomAD no frequency). This variant has not been reported in the literature in individuals affected with SIX3-related conditions. Advanced modeling of protein sequence and biophysical properties (such as structural, functional, and spatial information, amino acid conservation, physicochemical variation, residue mobility, and thermodynamic stability) performed at Invitae indicates that this missense variant is not expected to disrupt SIX3 protein function. In summary, the available evidence is currently insufficient to determine the role of this variant in disease. Therefore, it has been classified as a Variant of Uncertain Significance.